The following is an entry in ClinVar:

ClinVar aggregate classification (germline): Uncertain significance (1 of 4 stars; one submission).

Conditions:
Immunodeficiency 51 (IMD51). Also called: CANDIDIASIS, FAMILIAL, 5. Identifiers: Orphanet 1334, MedGen C4310803, MONDO:0013500, OMIM 613953.

Allele frequency attached by ClinVar (database versions not stated): gnomAD exomes below 0.00001; TOPMed below 0.00001; gnomAD 0.00001.
gnomAD v4.1: 4 of 1,600,724 alleles (0.00025%); highest among the groups gnomAD compares: Non-Finnish European, 0.00034%; no homozygotes.

Submission:

Labcorp Genetics (formerly Invitae), Labcorp
Classification: Uncertain significance for Immunodeficiency 51. Last evaluated: 2020-01-30. Review status: criteria provided, single submitter. Criteria: Invitae Variant Classification Sherloc (09022015). Collection method: clinical testing. Allele origin: germline.
Comment: This variant has not been reported in the literature in individuals with IL17RA-related conditions. In summary, the available evidence is currently insufficient to determine the role of this variant in disease. Therefore, it has been classified as a Variant of Uncertain Significance. Algorithms developed to predict the effect of missense changes on protein structure and function output the following: SIFT: "Deleterious"; PolyPhen-2: "Benign"; Align-GVGD: "Class C0". The glycine amino acid residue is found in multiple mammalian species, suggesting that this missense change does not adversely affect protein function. These predictions have not been confirmed by published functional studies and their clinical significance is uncertain. This variant is not present in population databases (ExAC no frequency). This sequence change replaces glutamic acid with glycine at codon 814 of the IL17RA protein (p.Glu814Gly). The glutamic acid residue is moderately conserved and there is a moderate physicochemical difference between glutamic acid and glycine.

NM_014339.7(IL17RA):c.2441A>G (p.Glu814Gly)

Gene: IL17RA (interleukin 17 receptor A; plus strand). Cytogenetic location: 22q11.1.
Variant type: single nucleotide variant.
Coding change: c.2441A>G on transcript NM_014339.7 (MANE Select); coding-DNA position 2441, A replaced by G.
Protein change: p.Glu814Gly; replaces glutamic acid 814 with glycine.
Molecular consequence: missense variant.
Genome position (GRCh38, 1-based): chr22:17,109,660, A>G. VCF-style: chr22-17109660-A-G. GRCh37 (hg19) VCF-style: chr22-17590550-A-G.
Other names: c.2339A>G, p.Glu780Gly (NM_001289905.2); short protein forms E780G, E814G.
Identifiers: ClinVar variation 1051522 (VCV001051522.9), dbSNP rs1486018314, ClinGen allele CA410222208.